The following is an entry in ClinVar:

NM_001110556.2(FLNA):c.537G>C (p.Lys179Asn)

Gene: FLNA (filamin A; minus strand). Cytogenetic location: Xq28.
Variant type: single nucleotide variant.
Coding change: c.537G>C on transcript NM_001110556.2 (MANE Select); coding-DNA position 537, G replaced by C.
Protein change: p.Lys179Asn; replaces lysine 179 with asparagine.
Molecular consequence: missense variant.
Genome position (GRCh38, 1-based): chrX:154,367,927, C>G on the plus strand (G>C on the coding strand, the complement: FLNA is on the minus strand). VCF-style: chrX-154367927-C-G. GRCh37 (hg19) VCF-style: chrX-153596295-C-G.
Other names: c.537G>C, p.Lys179Asn (NM_001456.4); short protein forms K179N.
Identifiers: ClinVar variation 464999 (VCV000464999.11), dbSNP rs1557179655, ClinGen allele CA415249497.

ClinVar aggregate classification (germline): Conflicting classifications of pathogenicity. Review status: criteria provided, conflicting classifications (1 of 4 stars). 2 submissions from 2 submitters: Likely pathogenic (1); Uncertain significance (1). Last evaluated 2022-04-01.

Conditions:
Oto-palato-digital syndrome, type II (OPD2). Also called: FACIOPALATOOSSEOUS SYNDROME; OPD II SYNDROME; Otopalatodigital Syndrome Type 2 (FLNA-OPD2); Otopalatodigital Syndrome, Type II. Identifiers: Orphanet 669, Orphanet 90652, MedGen C1844696, MONDO:0010571, OMIM 304120.
Heterotopia, periventricular, X-linked dominant (PVNH1). Also called: PERIVENTRICULAR NODULAR HETEROTOPIA 1; X-linked periventricular heterotopia; PERIVENTRICULAR NODULAR HETEROTOPIA 4; HETEROTOPIA, PERIVENTRICULAR, 1. Identifiers: Orphanet 2149, Orphanet 82004, MedGen C1848213, MONDO:0010233, OMIM 300049.
Frontometaphyseal dysplasia (FMD1). Identifiers: Orphanet 1826, MedGen C0265293, MONDO:0015942.
Melnick-Needles syndrome (MNS). Also called: MELNICK-NEEDLES OSTEODYSPLASTY; OSTEODYSPLASTY OF MELNICK AND NEEDLES; Melnick-Needles Syndrome (FLNA-MNS). Identifiers: Orphanet 2484, MedGen C0025237, MONDO:0010650, OMIM 309350.

Submissions (2):

Laboratory of Inherited Metabolic Diseases, Research centre for medical genetics
Classification: Likely pathogenic for Oto-palato-digital syndrome, type II. Last evaluated: 2022-04-01. Review status: criteria provided, single submitter. Criteria: ACMG Guidelines, 2015. Collection method: clinical testing. Allele origin: germline. Affected: yes. Observed: 1 variant allele.

Labcorp Genetics (formerly Invitae), Labcorp
Classification: Uncertain significance for Oto-palato-digital syndrome, type II; Heterotopia, periventricular, X-linked dominant; Frontometaphyseal dysplasia; Melnick-Needles syndrome. Last evaluated: 2017-08-31. Review status: criteria provided, single submitter. Criteria: Invitae Variant Classification Sherloc (09022015). Collection method: clinical testing. Allele origin: germline.
Comment: In summary, this variant has uncertain impact on FLNA function. The available evidence is currently insufficient to determine its role in disease. Therefore, it has been classified as a Variant of Uncertain Significance. Algorithms developed to predict the effect of missense changes on protein structure and function do not agree on the potential impact of this missense change (SIFT: "Deleterious"; PolyPhen-2: "Probably Damaging"; Align-GVGD: "Class C0"). This variant has not been reported in the literature in individuals with a FLNA-related disease. This variant is not present in population databases (ExAC no frequency). This sequence change replaces lysine with asparagine at codon 179 of the FLNA protein (p.Lys179Asn). The lysine residue is highly conserved and there is a moderate physicochemical difference between lysine and asparagine.